The following is an entry in ClinVar:

ClinVar aggregate classification (germline): Uncertain significance (1 of 4 stars; one submission).

Conditions:
FGF8-related disorder. Also called: FGF8-related condition.

gnomAD v4.1: 9 of 1,609,240 alleles (0.00056%); highest among the groups gnomAD compares: Admixed American, 0.0034%; no homozygotes.

Submission:

PreventionGenetics, part of Exact Sciences
Classification: Uncertain significance for FGF8-related condition. Last evaluated: 2025-04-09. Review status: criteria provided, single submitter. Criteria: ACMG Guidelines, 2015. Collection method: clinical testing. Allele origin: germline.
Comment: The FGF8 c.626G>A variant is predicted to result in the amino acid substitution p.Arg209Gln. To our knowledge, this variant has not been reported in the literature. This variant is reported in 0.0091% of alleles in individuals of Latino descent in gnomAD. At this time, the clinical significance of this variant is uncertain due to the absence of conclusive functional and genetic evidence.

NM_033163.5(FGF8):c.626G>A (p.Arg209Gln)

Gene: FGF8 (fibroblast growth factor 8; minus strand). Cytogenetic location: 10q24.32.
Variant type: single nucleotide variant.
Coding change: c.626G>A on transcript NM_033163.5 (MANE Select); coding-DNA position 626, G replaced by A.
Protein change: p.Arg209Gln; replaces arginine 209 with glutamine.
Molecular consequence: missense variant.
Genome position (GRCh38, 1-based): chr10:101,770,438, C>T on the plus strand (G>A on the coding strand, the complement: FGF8 is on the minus strand). VCF-style: chr10-101770438-C-T. GRCh37 (hg19) VCF-style: chr10-103530195-C-T.
Other names: c.314G>A, p.Arg105Gln (NM_001206389.2); c.539G>A, p.Arg180Gln (NM_006119.6); c.593G>A, p.Arg198Gln (NM_033164.4); c.506G>A, p.Arg169Gln (NM_033165.5); short protein forms R105Q, R180Q, R169Q, R198Q, R209Q.
Identifiers: ClinVar variation 4981041 (VCV004981041.1).